The following is an entry in ClinVar:

ClinVar aggregate classification (germline): Uncertain significance (1 of 4 stars; one submission).

Conditions:
Hereditary cancer-predisposing syndrome. Also called: Neoplastic Syndromes, Hereditary; Hereditary Cancer Syndrome; Tumor predisposition; Hereditary neoplastic syndrome. Identifiers: Orphanet 140162, MedGen C0027672, MeSH D009386, MONDO:0015356.

Submission:

Ambry Genetics
Classification: Uncertain significance for Hereditary cancer-predisposing syndrome. Last evaluated: 2023-01-16. Review status: criteria provided, single submitter. Criteria: Ambry Variant Classification Scheme 2023. Collection method: clinical testing. Allele origin: germline.
Comment: The p.L122H variant (also known as c.365T>A), located in coding exon 5 of the MAX gene, results from a T to A substitution at nucleotide position 365. The leucine at codon 122 is replaced by histidine, an amino acid with similar properties. This amino acid position is conserved. In addition, this alteration is predicted to be deleterious by in silico analysis. Since supporting evidence is limited at this time, the clinical significance of this alteration remains unclear.

NM_002382.5(MAX):c.365T>A (p.Leu122His)

Gene: MAX (MYC associated transcriptional regulator X; minus strand). Cytogenetic location: 14q23.3.
Variant type: single nucleotide variant.
Coding change: c.365T>A on transcript NM_002382.5 (MANE Select); coding-DNA position 365, T replaced by A.
Protein change: p.Leu122His; replaces leucine 122 with histidine.
Molecular consequence: missense variant. On other transcripts: 3 prime UTR variant (12), non-coding transcript variant (7), intron variant (2).
Genome position (GRCh38, 1-based): chr14:65,076,594, A>T on the plus strand (T>A on the coding strand, the complement: MAX is on the minus strand). VCF-style: chr14-65076594-A-T. GRCh37 (hg19) VCF-style: chr14-65543312-A-T.
Other names: c.176T>A, p.Leu59His (NM_001320415.2, NM_001407105.1, NM_001407106.1 and 1 more transcripts); c.365T>A, p.Leu122His (NM_001407094.1); c.338T>A, p.Leu113His (NM_001407095.1, NM_145112.3); c.*138T>A (NM_001407096.1, NM_001407099.1, NM_001407102.1 and 2 more transcripts); c.*154T>A (NM_001407097.1, NM_001407100.1, NM_001407101.1 and 4 more transcripts); c.257T>A, p.Leu86His (NM_001407098.1); c.164T>A, p.Leu55His (NM_001407111.1, NM_001407112.1); c.144+17114T>A (NM_001271069.2); and 1 more; short protein forms L59H, L113H, L55H, L122H, L86H.
Identifiers: ClinVar variation 2447488 (VCV002447488.2), dbSNP rs1566598270, ClinGen allele CA390031777.